The following is an entry in ClinVar:

NM_004910.3(PITPNM1):c.114C>T (p.Ser38=)

Gene: PITPNM1 (phosphatidylinositol transfer protein membrane associated 1; minus strand). Cytogenetic location: 11q13.2.
Variant type: single nucleotide variant.
Coding change: c.114C>T on transcript NM_004910.3 (MANE Select); coding-DNA position 114, C replaced by T.
Protein change: p.Ser38=; no amino-acid change (serine 38 retained).
Molecular consequence: synonymous variant.
Genome position (GRCh38, 1-based): chr11:67,502,683, G>A on the plus strand (C>T on the coding strand, the complement: PITPNM1 is on the minus strand). VCF-style: chr11-67502683-G-A. GRCh37 (hg19) VCF-style: chr11-67270154-G-A.
Other names: c.114C>T, p.Ser38= (NM_001130848.2).
Identifiers: ClinVar variation 789040 (VCV000789040.28), dbSNP rs117420640, ClinGen allele CA6142178.
Genomic context (GRCh38, chr11:67,502,683, plus strand): 5'-GTATTGCCCGCTGCCCCCGGGCCCATCCGTGTAGGGCCGGTTGGCCAGGATCTCCACGCC[G>A]CTGCCCTCACCACTAGACTCCTCCCGGCTCTTTTTCTGTGGCCCAAGGGAGAGCAGGACA-3'
Protein context (NP_004901.2, residues 28-48): KSREESSGEG[Ser38=]GVEILANRPY

ClinVar aggregate classification (germline): Benign/Likely benign. Review status: criteria provided, multiple submitters, no conflicts (2 of 4 stars). 3 submissions from 3 submitters: Benign (2); Likely benign (1). Last evaluated 2023-02-01.

Allele frequency attached by ClinVar (database versions not stated): 1000 Genomes Project 30x 0.00078; 1000 Genomes Project 0.00100; ExAC 0.00225; gnomAD exomes 0.00239 and 0.00387; gnomAD 0.00290 and 0.00325; ESP Exome Variant Server 0.00323; TOPMed 0.00347.
gnomAD v4.1: 6,048 of 1,613,308 alleles (0.37%); highest among the groups gnomAD compares: Non-Finnish European, 0.48%; 17 homozygotes.

Submissions (3):

CeGaT Center for Human Genetics Tuebingen
Classification: Likely benign. Last evaluated: 2023-02-01. Review status: criteria provided, single submitter. Criteria: CeGaT Center For Human Genetics Tuebingen Variant Classification Criteria Version 2. Collection method: clinical testing. Allele origin: germline. Affected: yes. Observed: 1 variant allele.
Comment: PITPNM1: BP4, BP7, BS2

Labcorp Genetics (formerly Invitae), Labcorp
Classification: Benign. Last evaluated: 2017-07-27. Review status: criteria provided, single submitter. Criteria: Invitae Variant Classification Sherloc (09022015). Collection method: clinical testing. Allele origin: germline.

Breakthrough Genomics
Classification: Benign. Review status: criteria provided, single submitter. Criteria: ACMG Guidelines, 2015. Collection method: not provided. Allele origin: germline. Inheritance: Unknown mechanism. Affected: yes.